The following is an entry in ClinVar:

NM_144997.7(FLCN):c.103A>G (p.Asn35Asp)

Gene: FLCN (folliculin; minus strand). Cytogenetic location: 17p11.2.
Variant type: single nucleotide variant.
Coding change: c.103A>G on transcript NM_144997.7 (MANE Select); coding-DNA position 103, A replaced by G.
Protein change: p.Asn35Asp; replaces asparagine 35 with aspartic acid.
Molecular consequence: missense variant.
Genome position (GRCh38, 1-based): chr17:17,228,035, T>C on the plus strand (A>G on the coding strand, the complement: FLCN is on the minus strand). VCF-style: chr17-17228035-T-C. GRCh37 (hg19) VCF-style: chr17-17131349-T-C.
Other names: c.103A>G, p.Asn35Asp (NM_001353229.2, NM_001353230.2, NM_001353231.2 and 1 more transcripts); short protein forms N35D.
Identifiers: ClinVar variation 3279032 (VCV003279032.1).
Genomic context (GRCh38, chr17:17,228,035, plus strand): 5'-TCATCTGAATGCCACCTTCCTCTTCTTCCGCCTGCTCACCCTGGCCAGGACTGTCCTCAT[T>C]CCCATCCCCTTGAGGAAGTGGGGCGTGCAGCACCTCCGTGCAGAAGAGAGTGCGGGGGCC-3'
Protein context (NP_659434.2, residues 25-45): LHAPLPQGDG[Asn35Asp]EDSPGQGEQA

ClinVar aggregate classification (germline): Uncertain significance (1 of 4 stars; one submission).

Conditions:
Hereditary cancer-predisposing syndrome. Also called: Tumor predisposition; Hereditary Cancer Syndrome; Hereditary neoplastic syndrome; Neoplastic Syndromes, Hereditary. Identifiers: Orphanet 140162, MedGen C0027672, MeSH D009386, MONDO:0015356.

Submission:

Ambry Genetics
Classification: Uncertain significance for Hereditary cancer-predisposing syndrome. Last evaluated: 2024-05-19. Review status: criteria provided, single submitter. Criteria: Ambry Variant Classification Scheme 2023. Collection method: clinical testing. Allele origin: germline.
Comment: The p.N35D variant (also known as c.103A>G), located in coding exon 1 of the FLCN gene, results from an A to G substitution at nucleotide position 103. The asparagine at codon 35 is replaced by aspartic acid, an amino acid with highly similar properties. This amino acid position is conserved. In addition, this alteration is predicted to be tolerated by in silico analysis. Based on the available evidence, the clinical significance of this variant remains unclear.